The following is an entry in ClinVar:

NM_002299.4(LCT):c.809T>C (p.Ile270Thr)

Gene: LCT (lactase; minus strand). Cytogenetic location: 2q21.3.
Variant type: single nucleotide variant.
Coding change: c.809T>C on transcript NM_002299.4 (MANE Select); coding-DNA position 809, T replaced by C.
Protein change: p.Ile270Thr; replaces isoleucine 270 with threonine.
Molecular consequence: missense variant.
Genome position (GRCh38, 1-based): chr2:135,823,999, A>G on the plus strand (T>C on the coding strand, the complement: LCT is on the minus strand). VCF-style: chr2-135823999-A-G. GRCh37 (hg19) VCF-style: chr2-136581569-A-G.
Other names: short protein forms I270T.
Identifiers: ClinVar variation 1346616 (VCV001346616.5), dbSNP rs1017932706, ClinGen allele CA56627623.
Genomic context (GRCh38, chr2:135,823,999, plus strand): 5'-ATGGTGGAGGGGCAGTCTGGGAGTTTTAGGTTGAAGATGAAAACTTTCACTTTTGGCTCA[A>G]TGGTCTGAAAAAGAGAAGGACCAGCAAGTGAACTGAAGCCTCCTGGAAAGCATCTTGATA-3'
Protein context (NP_002290.2, residues 260-280): LRQKLSKLQT[Ile270Thr]EPKVKVFIFN

ClinVar aggregate classification (germline): Uncertain significance (1 of 4 stars; one submission).

Allele frequency attached by ClinVar (database versions not stated): gnomAD exomes below 0.00001.
gnomAD v4.1: 4 of 1,610,344 alleles (0.00025%); highest among the groups gnomAD compares: Admixed American, 0.0033%; no homozygotes.

Submission:

Labcorp Genetics (formerly Invitae), Labcorp
Classification: Uncertain significance. Last evaluated: 2023-08-04. Review status: criteria provided, single submitter. Criteria: Invitae Variant Classification Sherloc (09022015). Collection method: clinical testing. Allele origin: germline.
Comment: This variant has not been reported in the literature in individuals affected with LCT-related conditions. In summary, the available evidence is currently insufficient to determine the role of this variant in disease. Therefore, it has been classified as a Variant of Uncertain Significance. An algorithm developed to predict the effect of missense changes on protein structure and function (PolyPhen-2) suggests that this variant¬†is likely to be tolerated. ClinVar contains an entry for this variant (Variation ID: 1346616). This variant is not present in population databases (gnomAD no frequency). This sequence change replaces isoleucine, which is neutral and non-polar, with threonine, which is neutral and polar, at codon 270 of the LCT protein (p.Ile270Thr).